The following is an entry in ClinVar:

ClinVar aggregate classification (germline): Conflicting classifications of pathogenicity. Review status: criteria provided, conflicting classifications (1 of 4 stars). 3 submissions from 3 submitters: Uncertain significance (2); Likely benign (1). Last evaluated 2025-03-30.

Conditions:
Carnitine palmitoyltransferase II deficiency. Also called: Carnitine Palmitoyltransferase 2 Deficiency. Identifiers: Orphanet 157, MedGen C0342790, MONDO:0015515.

Allele frequency attached by ClinVar (database versions not stated): gnomAD 0.00001; TOPMed 0.00001; gnomAD exomes 0.00003 and 0.00004; ExAC 0.00009.

Submissions (3):

Labcorp Genetics (formerly Invitae), Labcorp
Classification: Likely benign for Carnitine palmitoyltransferase II deficiency. Last evaluated: 2025-03-30. Review status: criteria provided, single submitter. Criteria: Invitae Variant Classification Sherloc (09022015). Collection method: clinical testing. Allele origin: germline.

Mayo Clinic Laboratories, Mayo Clinic
Classification: Uncertain significance. Last evaluated: 2025-02-18. Review status: criteria provided, single submitter. Criteria: ACMG Guidelines, 2015. Collection method: clinical testing. Allele origin: germline. Observed: 1 variant allele.
Comment: PP3

Women's Health and Genetics/Laboratory Corporation of America, LabCorp
Classification: Uncertain significance. Last evaluated: 2018-09-17. Review status: criteria provided, single submitter. Criteria: LabCorp Variant Classification Summary - May 2015. Collection method: clinical testing. Allele origin: germline.
Comment: Variant summary: CPT2 c.1751A>G (p.His584Arg) results in a non-conservative amino acid change located in the Choline/carnitine acyltransferase domain of the encoded protein sequence. Three of five in-silico tools predict a damaging effect of the variant on protein function. The variant allele was found at a frequency of 4.1e-05 in 246250 control chromosomes (gnomAD). This frequency is not significantly higher than expected for a pathogenic variant in CPT2 causing Carnitine Palmitoyltransferase II Deficiency (4.1e-05 vs 0.0016), allowing no conclusion about variant significance. To our knowledge, no occurrence of c.1751A>G in individuals affected with Carnitine Palmitoyltransferase II Deficiency and no experimental evidence demonstrating its impact on protein function have been reported. A ClinVar submission from a clinical diagnostic laboratory (evaluation after 2014) cites the variant as uncertain significance. Based on the evidence outlined above, the variant was classified as uncertain significance.

NM_000098.3(CPT2):c.1751A>G (p.His584Arg)

Gene: CPT2 (carnitine palmitoyltransferase 2; plus strand). Cytogenetic location: 1p32.3.
Variant type: single nucleotide variant.
Coding change: c.1751A>G on transcript NM_000098.3 (MANE Select); coding-DNA position 1751, A replaced by G.
Protein change: p.His584Arg; replaces histidine 584 with arginine.
Molecular consequence: missense variant.
Genome position (GRCh38, 1-based): chr1:53,213,369, A>G. VCF-style: chr1-53213369-A-G. GRCh37 (hg19) VCF-style: chr1-53679041-A-G.
Other names: p.His584Arg; c.1682A>G, p.His561Arg (NM_001330589.2); short protein forms H584R, H561R.
Identifiers: ClinVar variation 529862 (VCV000529862.10), dbSNP rs750604350, ClinGen allele CA859269.